The following is an entry in ClinVar:

ClinVar aggregate classification (germline): Uncertain significance (1 of 4 stars; one submission).

Conditions:
Propionic acidemia (PROP). Also called: GLYCINEMIA, KETOTIC; HYPERGLYCINEMIA WITH KETOACIDOSIS AND LEUKOPENIA; KETOTIC HYPERGLYCINEMIA. Identifiers: Orphanet 35, MedGen C0268579, MONDO:0011628, OMIM 606054, HP:0003571.

Submission:

Labcorp Genetics (formerly Invitae), Labcorp
Classification: Uncertain significance for Propionic acidemia. Last evaluated: 2021-09-01. Review status: criteria provided, single submitter. Criteria: Invitae Variant Classification Sherloc (09022015). Collection method: clinical testing. Allele origin: germline.
Comment: This sequence change replaces tryptophan with arginine at codon 20 of the PCCA protein (p.Trp20Arg). The tryptophan residue is weakly conserved and there is a moderate physicochemical difference between tryptophan and arginine. The frequency data for this variant in the population databases is considered unreliable, as metrics indicate insufficient coverage at this position in the ExAC database. This variant has not been reported in the literature in individuals affected with PCCA-related conditions. Advanced modeling of protein sequence and biophysical properties (such as structural, functional, and spatial information, amino acid conservation, physicochemical variation, residue mobility, and thermodynamic stability) performed at Invitae indicates that this missense variant is not expected to disrupt PCCA protein function. In summary, the available evidence is currently insufficient to determine the role of this variant in disease. Therefore, it has been classified as a Variant of Uncertain Significance.

NM_000282.4(PCCA):c.58T>C (p.Trp20Arg)

Gene: PCCA (propionyl-CoA carboxylase subunit alpha; plus strand). Cytogenetic location: 13q32.3.
Variant type: single nucleotide variant.
Coding change: c.58T>C on transcript NM_000282.4 (MANE Select); coding-DNA position 58, T replaced by C.
Protein change: p.Trp20Arg; replaces tryptophan 20 with arginine.
Molecular consequence: missense variant. On other transcripts: 5 prime UTR variant (3), non-coding transcript variant (5).
Genome position (GRCh38, 1-based): chr13:100,089,178, T>C. VCF-style: chr13-100089178-T-C. GRCh37 (hg19) VCF-style: chr13-100741432-T-C.
Other names: c.58T>C, p.Trp20Arg (NM_001127692.3, NM_001178004.2, NM_001352605.2 and 4 more transcripts); c.-809T>C (NM_001352610.2, NM_001352611.2, NM_001352612.2); short protein forms W20R.
Identifiers: ClinVar variation 1516828 (VCV001516828.5), dbSNP rs1302125451, ClinGen allele CA388692683.